The following is an entry in ClinVar:

NM_000548.5(TSC2):c.3558T>G (p.Tyr1186Ter)

Gene: TSC2 (TSC complex subunit 2; plus strand). Cytogenetic location: 16p13.3.
Variant type: single nucleotide variant.
Coding change: c.3558T>G on transcript NM_000548.5 (MANE Select); coding-DNA position 3558, T replaced by G.
Protein change: p.Tyr1186Ter; replaces tyrosine 1186 with a stop codon.
Molecular consequence: nonsense.
Genome position (GRCh38, 1-based): chr16:2,080,325, T>G. VCF-style: chr16-2080325-T-G. GRCh37 (hg19) VCF-style: chr16-2130326-T-G.
Other names: c.3426T>G, p.Tyr1142Ter (NM_001077183.3, NM_001370404.1); c.3558T>G, p.Tyr1186Ter (NM_001114382.3); c.3318T>G, p.Tyr1106Ter (NM_001318827.2); c.3282T>G, p.Tyr1094Ter (NM_001318829.2); c.2826T>G, p.Tyr942Ter (NM_001318831.2); c.3459T>G, p.Tyr1153Ter (NM_001318832.2); c.3429T>G, p.Tyr1143Ter (NM_001363528.2, NM_001370405.1, NM_021055.3); short protein forms Y1186*, Y1142*, Y1153*, Y942*, Y1094*, Y1106*, Y1143*.
Identifiers: ClinVar variation 565758 (VCV000565758.7), dbSNP rs1202939879, ClinGen allele CA394289542.

ClinVar aggregate classification (germline): Pathogenic (1 of 4 stars; one submission).

Conditions:
Tuberous sclerosis 2 (TSC2). Identifiers: Orphanet 805, MedGen C1860707, MONDO:0013199, OMIM 613254.

gnomAD v4.1: 1 of 1,612,748 alleles (0.000062%); no homozygotes.

Submission:

Labcorp Genetics (formerly Invitae), Labcorp
Classification: Pathogenic for Tuberous sclerosis 2. Last evaluated: 2018-06-04. Review status: criteria provided, single submitter. Criteria: Invitae Variant Classification Sherloc (09022015). Collection method: clinical testing. Allele origin: germline.
Comment: For these reasons, this variant has been classified as Pathogenic. Loss-of-function variants in TSC2 are known to be pathogenic (PMID: 10205261, 17304050). This variant has not been reported in the literature in individuals with TSC2-related disease. This variant is not present in population databases (ExAC no frequency). This sequence change creates a premature translational stop signal (p.Tyr1186*) in the TSC2 gene. It is expected to result in an absent or disrupted protein product.

Literature cited by the submitters: PubMed 10205261; PubMed 17304050.